The following is an entry in ClinVar:

NM_020822.3(KCNT1):c.3584T>C (p.Ile1195Thr)

Gene: KCNT1 (potassium sodium-activated channel subfamily T member 1; plus strand). Cytogenetic location: 9q34.3.
Variant type: single nucleotide variant.
Coding change: c.3584T>C on transcript NM_020822.3 (MANE Select); coding-DNA position 3584, T replaced by C.
Protein change: p.Ile1195Thr; replaces isoleucine 1195 with threonine.
Molecular consequence: missense variant.
Genome position (GRCh38, 1-based): chr9:135,791,878, T>C. VCF-style: chr9-135791878-T-C. GRCh37 (hg19) VCF-style: chr9-138683724-T-C.
Other names: c.3512T>C, p.Ile1171Thr (NM_001272003.2); short protein forms I1195T, I1171T.
Identifiers: ClinVar variation 451574 (VCV000451574.3), dbSNP rs777322392, ClinGen allele CA5327953.

ClinVar aggregate classification (germline): Uncertain significance (1 of 4 stars; one submission).

Allele frequency attached by ClinVar (database versions not stated): gnomAD exomes below 0.00001; ExAC 0.00001.
gnomAD v4.1: 4 of 1,613,586 alleles (0.00025%); highest among the groups gnomAD compares: African/African-American, 0.0013%; no homozygotes.

Submission:

GeneDx
Classification: Uncertain significance. Last evaluated: 2019-11-11. Review status: criteria provided, single submitter. Criteria: GeneDx Variant Classification Process June 2021. Collection method: clinical testing. Allele origin: germline. Affected: yes.
Comment: In silico analysis, which includes protein predictors and evolutionary conservation, supports a deleterious effect; Has not been previously published as pathogenic or benign to our knowledge